The following is an entry in ClinVar:

ClinVar aggregate classification (germline): Uncertain significance (1 of 4 stars; one submission).

Conditions:
Autosomal recessive limb-girdle muscular dystrophy type 2L (LGMDR12). Also called: Limb-girdle muscular dystrophy, type 2L; MUSCULAR DYSTROPHY, LIMB-GIRDLE, AUTOSOMAL RECESSIVE 12; Limb-Girdle Muscular Dystrophy R12 Anoctamin-5-Related (LGMD-R12). Identifiers: Orphanet 206549, MedGen C1969785, MONDO:0012652, OMIM 611307.
Gnathodiaphyseal dysplasia (GDD). Also called: GNATHODIAPHYSEAL SCLEROSIS; OSTEOGENESIS IMPERFECTA WITH UNUSUAL SKELETAL LESIONS. Identifiers: Orphanet 53697, MedGen C1833736, MONDO:0008151, OMIM 166260.

Allele frequency attached by ClinVar (database versions not stated): gnomAD exomes below 0.00001; TOPMed below 0.00001; gnomAD 0.00001.
gnomAD v4.1: 2 of 1,607,082 alleles (0.00012%); highest among the groups gnomAD compares: Non-Finnish European, 0.00017%; no homozygotes.

Submission:

Labcorp Genetics (formerly Invitae), Labcorp
Classification: Uncertain significance for Autosomal recessive limb-girdle muscular dystrophy type 2L; Gnathodiaphyseal dysplasia. Last evaluated: 2022-09-21. Review status: criteria provided, single submitter. Criteria: Invitae Variant Classification Sherloc (09022015). Collection method: clinical testing. Allele origin: germline.
Comment: In summary, the available evidence is currently insufficient to determine the role of this variant in disease. Therefore, it has been classified as a Variant of Uncertain Significance. Advanced modeling of protein sequence and biophysical properties (such as structural, functional, and spatial information, amino acid conservation, physicochemical variation, residue mobility, and thermodynamic stability) has been performed at Invitae for this missense variant, however the output from this modeling did not meet the statistical confidence thresholds required to predict the impact of this variant on ANO5 protein function. ClinVar contains an entry for this variant (Variation ID: 1357918). This variant has not been reported in the literature in individuals affected with ANO5-related conditions. This variant is not present in population databases (gnomAD no frequency). This sequence change replaces valine, which is neutral and non-polar, with alanine, which is neutral and non-polar, at codon 838 of the ANO5 protein (p.Val838Ala).

NM_213599.3(ANO5):c.2513T>C (p.Val838Ala)

Gene: ANO5 (anoctamin 5; plus strand). Cytogenetic location: 11p14.3.
Variant type: single nucleotide variant.
Coding change: c.2513T>C on transcript NM_213599.3 (MANE Select); coding-DNA position 2513, T replaced by C.
Protein change: p.Val838Ala; replaces valine 838 with alanine.
Molecular consequence: missense variant.
Genome position (GRCh38, 1-based): chr11:22,276,192, T>C. VCF-style: chr11-22276192-T-C. GRCh37 (hg19) VCF-style: chr11-22297738-T-C.
Other names: c.2510T>C, p.Val837Ala (NM_001142649.2); short protein forms V838A, V837A.
Identifiers: ClinVar variation 1357918 (VCV001357918.8), dbSNP rs1295612924, ClinGen allele CA379924716.